The following is an entry in ClinVar:

ClinVar aggregate classification (germline): Pathogenic (1 of 4 stars; one submission).

Conditions:
Ehlers-Danlos syndrome, classic type, 1 (EDSCL1). Also called: EHLERS-DANLOS SYNDROME, GRAVIS TYPE; EHLERS-DANLOS SYNDROME, SEVERE CLASSIC TYPE; Ehlers-Danlos syndrome, type 1; Ehlers-Danlos Syndrome, Classic Type, COL5A1-Related; EDS I. Identifiers: MedGen C0268335, MONDO:0019567, OMIM 130000.
Osteogenesis imperfecta type I (OI1). Also called: OI, TYPE I; OSTEOGENESIS IMPERFECTA TARDA; OSTEOGENESIS IMPERFECTA WITH BLUE SCLERAE; Osteogenesis imperfecta type 1; Lobstein's Disease; Lobstein disease. Identifiers: Orphanet 216796, Orphanet 666, MedGen C0023931, MONDO:0008146, OMIM 166200. Disease mechanism: loss of function.

Submission:

Labcorp Genetics (formerly Invitae), Labcorp
Classification: Pathogenic for Osteogenesis imperfecta type I; Ehlers-Danlos syndrome, classic type, 1. Last evaluated: 2025-03-26. Review status: criteria provided, single submitter. Criteria: Invitae Variant Classification Sherloc (09022015). Collection method: clinical testing. Allele origin: germline.
Comment: This sequence change replaces cysteine, which is neutral and slightly polar, with serine, which is neutral and polar, at codon 1272 of the COL1A2 protein (p.Cys1272Ser). This variant is not present in population databases (gnomAD no frequency). This missense change has been observed in individual(s) with autosomal dominant osteogenesis imperfecta (PMID: 26627451). Invitae Evidence Modeling of protein sequence and biophysical properties (such as structural, functional, and spatial information, amino acid conservation, physicochemical variation, residue mobility, and thermodynamic stability) indicates that this missense variant is expected to disrupt COL1A2 protein function with a positive predictive value of 95%. This variant disrupts the p.Cys1272 amino acid residue in COL1A2. Other variant(s) that disrupt this residue have been determined to be pathogenic (PMID: 33070251; internal data). This suggests that this residue is clinically significant, and that variants that disrupt this residue are likely to be disease-causing. For these reasons, this variant has been classified as Pathogenic.

Literature cited by the submitters: PubMed 26627451; PubMed 33070251.

NM_000089.4(COL1A2):c.3814T>A (p.Cys1272Ser)

Gene: COL1A2 (collagen type I alpha 2 chain; plus strand). Cytogenetic location: 7q21.3.
Variant type: single nucleotide variant.
Coding change: c.3814T>A on transcript NM_000089.4 (MANE Select); coding-DNA position 3814, T replaced by A.
Protein change: p.Cys1272Ser; replaces cysteine 1272 with serine.
Molecular consequence: missense variant.
Genome position (GRCh38, 1-based): chr7:94,429,290, T>A. VCF-style: chr7-94429290-T-A. GRCh37 (hg19) VCF-style: chr7-94058602-T-A.
Other names: short protein forms C1272S.
Identifiers: ClinVar variation 3758897 (VCV003758897.2).